The following is an entry in ClinVar:

ClinVar aggregate classification (germline): Uncertain significance. Review status: criteria provided, multiple submitters, no conflicts (2 of 4 stars). 2 submissions from 2 submitters: Uncertain significance (2). Last evaluated 2025-12-25.

Conditions:
CC2D2A-related disorder. Also called: CC2D2A-related disorders; CC2D2A-related condition. Identifiers: MedGen CN239313.

Allele frequency attached by ClinVar (database versions not stated): ExAC 0.00002; gnomAD 0.00004; TOPMed 0.00008.
gnomAD v4.1: 76 of 1,475,220 alleles (0.0052%); highest among the groups gnomAD compares: Non-Finnish European, 0.0068%; no homozygotes.

Submissions (2):

PreventionGenetics, part of Exact Sciences
Classification: Uncertain significance for CC2D2A-related condition. Last evaluated: 2025-12-25. Review status: criteria provided, single submitter. Criteria: ACMG Guidelines, 2015. Collection method: clinical testing. Allele origin: germline.
Comment: The CC2D2A c.4853G>A variant is predicted to result in the amino acid substitution p.Arg1618His. This variant has been reported in an individual with severe obesity (Mariman et al. 2016. PubMed ID: 27323230). This variant is reported in 0.0080% of alleles in individuals of European (Non-Finnish) descent in gnomAD. At this time, the clinical significance of this variant is uncertain due to the absence of conclusive functional and genetic evidence.

Eurofins Ntd Llc (ga)
Classification: Uncertain significance. Last evaluated: 2017-12-21. Review status: criteria provided, single submitter. Criteria: EGL Classification Definitions 2015. Collection method: clinical testing. Allele origin: germline. Observed: 1 variant allele, 1 heterozygote.

NM_001378615.1(CC2D2A):c.4853G>A (p.Arg1618His)

Genes: CC2D2A (coiled-coil and C2 domain containing 2A; plus strand), FBXL5 (F-box and leucine rich repeat protein 5; minus strand). Cytogenetic location: 4p15.32.
Variant type: single nucleotide variant.
Coding change: c.4853G>A on transcript NM_001378615.1 (MANE Select); coding-DNA position 4853, G replaced by A.
Protein change: p.Arg1618His; replaces arginine 1618 with histidine.
Molecular consequence: missense variant.
Genome position (GRCh38, 1-based): chr4:15,601,415, G>A. VCF-style: chr4-15601415-G-A. GRCh37 (hg19) VCF-style: chr4-15603038-G-A.
Other names: c.4853G>A, p.Arg1618His (NM_001080522.2); c.4706G>A, p.Arg1569His (NM_001378617.1); short protein forms R1618H, R1569H.
Identifiers: ClinVar variation 595493 (VCV000595493.6), dbSNP rs766713015, ClinGen allele CA2864492.